The following is an entry in ClinVar:

ClinVar aggregate classification (germline): Conflicting classifications of pathogenicity. Review status: criteria provided, conflicting classifications (1 of 4 stars). 17 submissions from 15 submitters: Uncertain significance (9); Benign (1); Likely benign (5). 2 of the submissions do not count toward it. Last evaluated 2026-08-20.

Conditions:
DES-related disorder. Also called: DES-related condition.
Dilated cardiomyopathy 1I (CMD1I). Identifiers: Orphanet 154, MedGen C1858154, MONDO:0011482, OMIM 604765.
Desmin-related myofibrillar myopathy (MFM1). Also called: Desminopathy; DESMIN-RELATED MYOPATHY WITH ARRHYTHMOGENIC RIGHT VENTRICULAR CARDIOMYOPATHY; Myofibrillar myopathy 1; MYOFIBRILLAR MYOPATHY WITH ARRHYTHMOGENIC RIGHT VENTRICULAR CARDIOMYOPATHY; Desmin related myopathy (former name); Desmin storage myopathy (former name). Identifiers: Orphanet 363543, Orphanet 98909, MedGen C1832370, MONDO:0011076, OMIM 601419.
Cardiovascular phenotype. Identifiers: MedGen CN230736.
Neurogenic scapuloperoneal syndrome, Kaeser type (SCPNK). Also called: KAESER SYNDROME. Identifiers: Orphanet 85146, MedGen C1867005, MONDO:0008407, OMIM 181400.

Allele frequency attached by ClinVar (database versions not stated): gnomAD 0.00011 and 0.00017; TOPMed 0.00011; ESP Exome Variant Server 0.00015; 1000 Genomes Project 30x 0.00016; 1000 Genomes Project 0.00020; ExAC 0.00037; gnomAD exomes 0.00043.
gnomAD v4.1: 344 of 1,614,200 alleles (0.021%); highest among the groups gnomAD compares: South Asian, 0.14%; no homozygotes.

Submissions 1 to 12 of 17:

PreventionGenetics, part of Exact Sciences
Classification: Uncertain significance for DES-related condition. Last evaluated: 2026-08-20. Review status: criteria provided, single submitter. Criteria: ACMG Guidelines, 2015. Collection method: clinical testing. Allele origin: germline.
Comment: The DES c.665G>A variant is predicted to result in the amino acid substitution p.Arg222His. This variant has been reported in an individual with dilated cardiomyopathy (Dal Ferro et al. 2017. PubMed ID: 28416588, Table S1) and in an individual with hypertrophic cardiomyopathy (Hoss et al. 2020. PubMed ID: 32150461, Table S1). It has also been reported in a father and daughter with dilated cardiomyopathy (Truszkowska et al. 2015. PubMed ID: 25928149). However, both individuals harbored an additional variant in another gene. This variant is reported in 0.14% of alleles in individuals of Ashkenazi Jewish descent in gnomAD and has conflicting interpretations ranging from benign to uncertain in ClinVar (Variation ID: 178016). Although we suspect that this variant may be benign, at this time, the clinical significance of this variant is uncertain due to the absence of conclusive functional and genetic evidence.

Women's Health and Genetics/Laboratory Corporation of America, LabCorp
Classification: Likely benign. Last evaluated: 2026-04-17. Review status: criteria provided, single submitter. Criteria: LabCorp Variant Classification Summary - May 2015. Collection method: clinical testing. Allele origin: germline.
Comment: Variant summary: DES c.665G>A (p.Arg222His) results in a non-conservative amino acid change in the encoded protein sequence. Algorithms developed to predict the effect of missense changes on protein structure and function all suggest that this variant is likely to be disruptive. The variant allele was found at a frequency of 0.00043 in 251450 control chromosomes, predominantly at a frequency of 0.0013 within the South Asian subpopulation in the gnomAD database. The observed variant frequency within South Asian control individuals in the gnomAD database exceeds the estimated maximal expected allele frequency for disease-causing variants in DES. c.665G>A has been observed in individuals affected with Dilated Cardiomyopathy or Hypertrophic Cardiomyopathy, but in at least one report it was found together with another variant which may have explained the phenotype (e.g. Truszkowska_2015, Dal Ferro_2017, Hoss_2020, Guelly_2021). These reports do not provide unequivocal conclusions about association of the variant with DES-related conditions. At least one publication reports experimental evidence evaluating an impact on protein function and showed no damaging effect of this variant on filament formation (Voss_2025). The following publications have been ascertained in the context of this evaluation (PMID: 28416588, 33552729, 32150461, 25928149, 41235435). ClinVar contains an entry for this variant (Variation ID: 178016). Based on the evidence outlined above, the variant was classified as likely benign.

Labcorp Genetics (formerly Invitae), Labcorp
Classification: Uncertain significance for Desmin-related myofibrillar myopathy. Last evaluated: 2025-12-21. Review status: criteria provided, single submitter. Criteria: Invitae Variant Classification Sherloc (09022015). Collection method: clinical testing. Allele origin: germline.
Comment: This sequence change replaces arginine, which is basic and polar, with histidine, which is basic and polar, at codon 222 of the DES protein (p.Arg222His). This variant is present in population databases (rs367961979, gnomAD 0.1%). This missense change has been observed in individual(s) with DES-related conditions (PMID: 25928149, 28416588, 32150461). ClinVar contains an entry for this variant (Variation ID: 178016). Invitae Evidence Modeling of protein sequence and biophysical properties (such as structural, functional, and spatial information, amino acid conservation, physicochemical variation, residue mobility, and thermodynamic stability) indicates that this missense variant is expected to disrupt DES protein function with a positive predictive value of 95%. In summary, the available evidence is currently insufficient to determine the role of this variant in disease. Therefore, it has been classified as a Variant of Uncertain Significance.

GeneDx
Classification: Uncertain significance. Last evaluated: 2025-10-01. Review status: criteria provided, single submitter. Criteria: GeneDx Variant Classification Process June 2021. Collection method: clinical testing. Allele origin: germline. Affected: yes.
Comment: Has been reported in association with DCM and HCM in published literature; however, a second cardiogenetic variant was identified in most cases (PMID: 28416588, 32150461, 25928149, 33652119); In silico analysis supports that this missense variant has a deleterious effect on protein structure/function; This variant is associated with the following publications: (PMID: 25928149, 32150461, 33652119, 26807690, 28416588, 38374194)

ARUP Laboratories, Molecular Genetics and Genomics, ARUP Laboratories
Classification: Uncertain significance. Last evaluated: 2025-06-03. Review status: criteria provided, single submitter. Criteria: ARUP Molecular Germline Variant Investigation Process 2024. Collection method: clinical testing. Allele origin: germline.
Comment: The DES c.665G>A; p.Arg222His variant (rs367961979, ClinVar variation ID: 178016) is reported in individuals with dilated or hypertrophic cardiomyopathy (Cohen 2021, Dal Ferro 2017, Hoss 2020, Truszkowska 2015) but has also been found with other cardiac-related variants in affected individuals (Cohen 2021, Truszkowska 2015). It is observed in the general population with an overall allele frequency of 0.04% (113/282852 alleles) in the Genome Aggregation Database (v2.1.1). Computational analyses predict that this variant is deleterious (REVEL: 0.822). Due to limited information, the clinical significance of this variant is uncertain at this time. References: Cohen RB et al. QT interval dynamics and triggers for QT prolongation immediately following cardiac arrest. Resuscitation. 2021 May;162:171-179. PMID: 33652119. Dal Ferro M et al. Association between mutation status and left ventricular reverse remodelling in dilated cardiomyopathy. Heart. 2017 Nov;103(21):1704-1710. PMID: 28416588. Hoss S et al. Genetic Testing for Diagnosis of Hypertrophic Cardiomyopathy Mimics: Yield and Clinical Significance. Circ Genom Precis Med. 2020 Apr;13(2):e002748. PMID: 32150461. Truszkowska GT et al. A study in Polish patients with cardiomyopathy emphasizes pathogenicity of phospholamban (PLN) mutations at amino acid position 9 and low penetrance of heterozygous null PLN mutations. BMC Med Genet. 2015 Apr 3;16:21. PMID: 25928149.

Molecular Diagnostic Laboratory for Inherited Cardiovascular Disease, Montreal Heart Institute
Classification: Uncertain significance for Cardiovascular phenotype. Last evaluated: 2025-04-09. Review status: criteria provided, single submitter. Criteria: ACMG Guidelines, 2015. Collection method: clinical testing. Allele origin: germline. Affected: yes.

Mayo Clinic Laboratories, Mayo Clinic
Classification: Uncertain significance. Last evaluated: 2024-08-19. Review status: criteria provided, single submitter. Criteria: ACMG Guidelines, 2015. Collection method: clinical testing. Allele origin: germline. Observed: 1 variant allele.
Comment: BS1, PP3, PS4_supporting

Blueprint Genetics
Classification: Likely benign. Last evaluated: 2024-07-30. Review status: criteria provided, single submitter. Criteria: ACMG Guidelines, 2015. Collection method: clinical testing. Allele origin: germline.

Revvity Omics, Revvity
Classification: Uncertain significance. Last evaluated: 2024-04-01. Review status: criteria provided, single submitter. Criteria: ACMG Guidelines, 2015. Collection method: clinical testing. Allele origin: germline.

Ambry Genetics
Classification: Benign for Cardiovascular phenotype. Last evaluated: 2021-09-20. Review status: criteria provided, single submitter. Criteria: Ambry Variant Classification Scheme 2023. Collection method: clinical testing. Allele origin: germline.

Athena Diagnostics
Classification: Uncertain significance. Last evaluated: 2021-04-28. Review status: criteria provided, single submitter. Criteria: Athena Diagnostics criteria. Collection method: clinical testing. Allele origin: unknown.

Illumina Laboratory Services, Illumina
Classification: Likely benign for Myofibrillar myopathy 1. Last evaluated: 2017-04-27. Review status: criteria provided, single submitter. Criteria: ICSL Variant Classification Criteria 13 December 2019. Collection method: clinical testing. Allele origin: germline.
Comment: This variant was observed as part of a predisposition screen in an ostensibly healthy population. A literature search was performed for the gene, cDNA change, and amino acid change (where applicable). No publications were found based on this search. Allele frequency data from public databases allowed determination this variant is unlikely to cause disease. Therefore, this variant is classified as likely benign.

NM_001927.4(DES):c.665G>A (p.Arg222His)

Gene: DES (desmin; plus strand). Cytogenetic location: 2q35.
Variant type: single nucleotide variant.
Coding change: c.665G>A on transcript NM_001927.4 (MANE Select); coding-DNA position 665, G replaced by A.
Protein change: p.Arg222His; replaces arginine 222 with histidine.
Molecular consequence: missense variant.
Genome position (GRCh38, 1-based): chr2:219,420,276, G>A. VCF-style: chr2-219420276-G-A. GRCh37 (hg19) VCF-style: chr2-220284998-G-A.
Other names: short protein forms R222H.
Identifiers: ClinVar variation 178016 (VCV000178016.38), dbSNP rs367961979, ClinGen allele CA181192.